The following is an entry in ClinVar:

NM_005359.6(SMAD4):c.332A>T (p.His111Leu)

Gene: SMAD4 (SMAD family member 4; plus strand). Cytogenetic location: 18q21.2.
Variant type: single nucleotide variant.
Coding change: c.332A>T on transcript NM_005359.6 (MANE Select); coding-DNA position 332, A replaced by T.
Protein change: p.His111Leu; replaces histidine 111 with leucine.
Molecular consequence: missense variant.
Genome position (GRCh38, 1-based): chr18:51,048,768, A>T. VCF-style: chr18-51048768-A-T. GRCh37 (hg19) VCF-style: chr18-48575138-A-T.
Other names: c.332A>T, p.His111Leu (NM_001407041.1, NM_001407042.1, NM_001407043.1); short protein forms H111L.
Identifiers: ClinVar variation 2436116 (VCV002436116.6), dbSNP rs1064794363, ClinGen allele CA402458377.

ClinVar aggregate classification (germline): Uncertain significance. Review status: criteria provided, multiple submitters, no conflicts (2 of 4 stars). 2 submissions from 2 submitters: Uncertain significance (2). Last evaluated 2026-07-30.

Conditions:
Familial thoracic aortic aneurysm and aortic dissection (TAAD). Also called: Thoracic aortic aneurysms and dissections. Identifiers: Orphanet 91387, MedGen C4707243, MONDO:0019625.
Hereditary cancer-predisposing syndrome. Also called: Hereditary Cancer Syndrome; Hereditary neoplastic syndrome; Neoplastic Syndromes, Hereditary; Tumor predisposition. Identifiers: Orphanet 140162, MedGen C0027672, MeSH D009386, MONDO:0015356.

Submissions (2):

Ambry Genetics
Classification: Uncertain significance for Hereditary cancer-predisposing syndrome; Familial thoracic aortic aneurysm and aortic dissection. Last evaluated: 2026-07-30. Review status: criteria provided, single submitter. Criteria: Ambry Variant Classification Scheme 2023. Collection method: clinical testing. Allele origin: germline.
Comment: The p.H111L variant (also known as c.332A>T), located in coding exon 2 of the SMAD4 gene, results from an A to T substitution at nucleotide position 332. The histidine at codon 111 is replaced by leucine, an amino acid with similar properties. This amino acid position is highly conserved in available vertebrate species. In addition, this alteration is predicted to be deleterious by in silico analysis. Based on the available evidence, the clinical significance of this variant remains unclear.

Revvity Omics, Revvity
Classification: Uncertain significance. Last evaluated: 2021-07-27. Review status: criteria provided, single submitter. Criteria: ACMG Guidelines, 2015. Collection method: clinical testing. Allele origin: germline.